The following is an entry in ClinVar:

ClinVar aggregate classification (germline): Uncertain significance (1 of 4 stars; one submission).

Allele frequency attached by ClinVar (database versions not stated): ExAC 0.00001; gnomAD exomes 0.00002.
gnomAD v4.1: 6 of 1,614,078 alleles (0.00037%); highest among the groups gnomAD compares: East Asian, 0.013%; no homozygotes.

Submission:

Labcorp Genetics (formerly Invitae), Labcorp
Classification: Uncertain significance. Last evaluated: 2022-10-25. Review status: criteria provided, single submitter. Criteria: Invitae Variant Classification Sherloc (09022015). Collection method: clinical testing. Allele origin: germline.
Comment: Algorithms developed to predict the effect of missense changes on protein structure and function (SIFT, PolyPhen-2, Align-GVGD) all suggest that this variant is likely to be disruptive. ClinVar contains an entry for this variant (Variation ID: 1384689). This variant has not been reported in the literature in individuals affected with VCAN-related conditions. This variant is present in population databases (rs749185970, gnomAD 0.03%). This sequence change replaces aspartic acid, which is acidic and polar, with tyrosine, which is neutral and polar, at codon 174 of the VCAN protein (p.Asp174Tyr). In summary, the available evidence is currently insufficient to determine the role of this variant in disease. Therefore, it has been classified as a Variant of Uncertain Significance.

NM_004385.5(VCAN):c.520G>T (p.Asp174Tyr)

Gene: VCAN (versican; plus strand). Cytogenetic location: 5q14.2.
Variant type: single nucleotide variant.
Coding change: c.520G>T on transcript NM_004385.5 (MANE Select); coding-DNA position 520, G replaced by T.
Protein change: p.Asp174Tyr; replaces aspartic acid 174 with tyrosine.
Molecular consequence: missense variant.
Genome position (GRCh38, 1-based): chr5:83,493,620, G>T. VCF-style: chr5-83493620-G-T. GRCh37 (hg19) VCF-style: chr5-82789439-G-T.
Other names: c.520G>T, p.Asp174Tyr (NM_001126336.3, NM_001164097.2, NM_001164098.2); short protein forms D174Y.
Identifiers: ClinVar variation 1384689 (VCV001384689.8), dbSNP rs749185970, ClinGen allele CA3332470.